The following is an entry in ClinVar:

NM_198586.3(NHLRC1):c.5C>A (p.Ala2Glu)

Gene: NHLRC1 (NHL repeat containing E3 ubiquitin protein ligase 1; minus strand). Cytogenetic location: 6p22.3.
Variant type: single nucleotide variant.
Coding change: c.5C>A on transcript NM_198586.3 (MANE Select); coding-DNA position 5, C replaced by A.
Protein change: p.Ala2Glu; replaces alanine 2 with glutamic acid.
Molecular consequence: missense variant.
Genome position (GRCh38, 1-based): chr6:18,122,602, G>T on the plus strand (C>A on the coding strand, the complement: NHLRC1 is on the minus strand). VCF-style: chr6-18122602-G-T. GRCh37 (hg19) VCF-style: chr6-18122833-G-T.
Other names: short protein forms A2E.
Identifiers: ClinVar variation 1480222 (VCV001480222.6), dbSNP rs963295265, ClinGen allele CA134960132.
Genomic context (GRCh38, chr6:18,122,602, plus strand): 5'-CTGATCTCCGCCTCGCGCATGAGCTCATGCAGCGCTGGCCCGCTCTCCGAGGCTTCGGCC[G>T]CCATGGCGCGTCCTGTGCACTCCCGCCGCGCCGCCTGGCCGTGCCCCAGCGACGCTCTCG-3'
Protein context (NP_940988.2, residues 1-12): M[Ala2Glu]AEASESGPAL

ClinVar aggregate classification (germline): Uncertain significance (1 of 4 stars; one submission).

Conditions:
Lafora disease. Also called: Epilepsy progressive myoclonic 2; Progressive Myoclonus Epilepsy, Lafora Type. Identifiers: Orphanet 501, MedGen C0751783, MONDO:0009697.

Allele frequency attached by ClinVar (database versions not stated): gnomAD 0.00001; gnomAD exomes 0.00001; TOPMed 0.00001.
gnomAD v4.1: 13 of 1,592,860 alleles (0.00082%); highest among the groups gnomAD compares: Non-Finnish European, 0.0011%; no homozygotes.

Submission:

Labcorp Genetics (formerly Invitae), Labcorp
Classification: Uncertain significance for Lafora disease. Last evaluated: 2022-01-13. Review status: criteria provided, single submitter. Criteria: Invitae Variant Classification Sherloc (09022015). Collection method: clinical testing. Allele origin: germline.
Comment: In summary, the available evidence is currently insufficient to determine the role of this variant in disease. Therefore, it has been classified as a Variant of Uncertain Significance. Algorithms developed to predict the effect of missense changes on protein structure and function (SIFT, PolyPhen-2, Align-GVGD) all suggest that this variant is likely to be tolerated. This variant has not been reported in the literature in individuals affected with NHLRC1-related conditions. This variant is not present in population databases (gnomAD no frequency). This sequence change replaces alanine, which is neutral and non-polar, with glutamic acid, which is acidic and polar, at codon 2 of the NHLRC1 protein (p.Ala2Glu).